The following is an entry in ClinVar:

ClinVar aggregate classification (germline): Uncertain significance (1 of 4 stars; one submission).

Conditions:
Bardet-Biedl syndrome (BBS). Identifiers: Orphanet 110, MedGen C0752166, MONDO:0015229.

Submission:

Labcorp Genetics (formerly Invitae), Labcorp
Classification: Uncertain significance for Bardet-Biedl syndrome. Last evaluated: 2025-05-27. Review status: criteria provided, single submitter. Criteria: Invitae Variant Classification Sherloc (09022015). Collection method: clinical testing. Allele origin: germline.
Comment: This sequence change replaces leucine, which is neutral and non-polar, with phenylalanine, which is neutral and non-polar, at codon 46 of the BBS10 protein (p.Leu46Phe). This variant is not present in population databases (gnomAD no frequency). This variant has not been reported in the literature in individuals affected with BBS10-related conditions. ClinVar contains an entry for this variant (Variation ID: 961170). Invitae Evidence Modeling of protein sequence and biophysical properties (such as structural, functional, and spatial information, amino acid conservation, physicochemical variation, residue mobility, and thermodynamic stability) indicates that this missense variant is expected to disrupt BBS10 protein function with a positive predictive value of 80%. In summary, the available evidence is currently insufficient to determine the role of this variant in disease. Therefore, it has been classified as a Variant of Uncertain Significance.

NM_024685.4(BBS10):c.136C>T (p.Leu46Phe)

Gene: BBS10 (Bardet-Biedl syndrome 10; minus strand). Cytogenetic location: 12q21.2.
Variant type: single nucleotide variant.
Coding change: c.136C>T on transcript NM_024685.4 (MANE Select); coding-DNA position 136, C replaced by T.
Protein change: p.Leu46Phe; replaces leucine 46 with phenylalanine.
Molecular consequence: missense variant.
Genome position (GRCh38, 1-based): chr12:76,348,223, G>A on the plus strand (C>T on the coding strand, the complement: BBS10 is on the minus strand). VCF-style: chr12-76348223-G-A. GRCh37 (hg19) VCF-style: chr12-76742003-G-A.
Other names: short protein forms L46F.
Identifiers: ClinVar variation 961170 (VCV000961170.9), dbSNP rs1951778317, ClinGen allele CA385816170.